The following is an entry in ClinVar:

NM_001379200.1(TBX1):c.1372C>T (p.His458Tyr)

Gene: TBX1 (T-box transcription factor 1; plus strand). Cytogenetic location: 22q11.21.
Variant type: single nucleotide variant.
Coding change: c.1372C>T on transcript NM_001379200.1 (MANE Select); coding-DNA position 1372, C replaced by T.
Protein change: p.His458Tyr; replaces histidine 458 with tyrosine.
Molecular consequence: missense variant. On other transcripts: intron variant (2).
Genome position (GRCh38, 1-based): chr22:19,766,724, C>T. VCF-style: chr22-19766724-C-T. GRCh37 (hg19) VCF-style: chr22-19754247-C-T.
Other names: c.1345C>T, p.His449Tyr (NM_080647.1); c.1009+722C>T (NM_005992.1, NM_080646.2); short protein forms H449Y, H458Y.
Identifiers: ClinVar variation 3324832 (VCV003324832.3).
Genomic context (GRCh38, chr22:19,766,724, plus strand): 5'-GCCAAGAGCCGGCCGGCGCCCTACCCGCTGCCCGGCCTGCGTGGCCACGGCTACCACCCG[C>T]ACGCGCATCCGCACCACCACCACCACCCCGTGAGTCCAGCCGCCGCGGCCGCCGCCGCCG-3'
Protein context (NP_001366129.1, residues 448-468): PGLRGHGYHP[His458Tyr]AHPHHHHHPV

ClinVar aggregate classification (germline): Uncertain significance. Review status: criteria provided, multiple submitters, no conflicts (2 of 4 stars). 2 submissions from 2 submitters: Uncertain significance (2). Last evaluated 2025-09-24.

Conditions:
DiGeorge syndrome. Also called: Catch22; THIRD AND FOURTH PHARYNGEAL POUCH SYNDROME. Identifiers: Orphanet 567, MedGen C0012236, MONDO:0008564, OMIM 188400.
Cardiovascular phenotype. Identifiers: MedGen CN230736.

Submissions (2):

Labcorp Genetics (formerly Invitae), Labcorp
Classification: Uncertain significance for DiGeorge syndrome. Last evaluated: 2025-09-24. Review status: criteria provided, single submitter. Criteria: Invitae Variant Classification Sherloc (09022015). Collection method: clinical testing. Allele origin: germline.
Comment: This sequence change replaces histidine, which is basic and polar, with tyrosine, which is neutral and polar, at codon 449 of the TBX1 protein (p.His449Tyr). This variant is not present in population databases (gnomAD no frequency). This variant has not been reported in the literature in individuals affected with TBX1-related conditions. ClinVar contains an entry for this variant (Variation ID: 3324832). An algorithm developed to predict the effect of missense changes on protein structure and function (PolyPhen-2) suggests that this variant is likely to be tolerated. In summary, the available evidence is currently insufficient to determine the role of this variant in disease. Therefore, it has been classified as a Variant of Uncertain Significance.

Ambry Genetics
Classification: Uncertain significance for Cardiovascular phenotype. Last evaluated: 2024-03-29. Review status: criteria provided, single submitter. Criteria: Ambry Variant Classification Scheme 2023. Collection method: clinical testing. Allele origin: germline.
Comment: The p.H449Y variant (also known as c.1345C>T), located in coding exon 8 of the TBX1 gene, results from a C to T substitution at nucleotide position 1345. The histidine at codon 449 is replaced by tyrosine, an amino acid with similar properties. This amino acid position is highly conserved in available vertebrate species. In addition, this alteration is predicted to be tolerated by in silico analysis. Based on the available evidence, the clinical significance of this alteration remains unclear.